The following is an entry in ClinVar:

NM_016026.4(RDH11):c.572A>G (p.Gln191Arg)

Genes: GPHN (gephyrin; plus strand), RDH11 (retinol dehydrogenase 11; minus strand). Cytogenetic location: 14q24.1.
Variant type: single nucleotide variant.
Coding change: c.572A>G on transcript NM_016026.4 (MANE Select); coding-DNA position 572, A replaced by G.
Protein change: p.Gln191Arg; replaces glutamine 191 with arginine.
Molecular consequence: missense variant. On other transcripts: intron variant (1).
Genome position (GRCh38, 1-based): chr14:67,690,304, T>C on the plus strand (A>G on the coding strand, the complement: RDH11 is on the minus strand). VCF-style: chr14-67690304-T-C. GRCh37 (hg19) VCF-style: chr14-68157021-T-C.
Other names: c.454+836A>G (NM_001252650.2); short protein forms Q191R.
Identifiers: ClinVar variation 946513 (VCV000946513.8), dbSNP rs1008237287, ClinGen allele CA262795150.

ClinVar aggregate classification (germline): Uncertain significance. Review status: criteria provided, multiple submitters, no conflicts (2 of 4 stars). 3 submissions from 3 submitters: Uncertain significance (3). Last evaluated 2025-05-13.

Allele frequency attached by ClinVar (database versions not stated): gnomAD 0.00001 and 0.00002; gnomAD exomes 0.00001 and 0.00002; TOPMed 0.00001.
gnomAD v4.1: 29 of 1,614,068 alleles (0.0018%); highest among the groups gnomAD compares: African/African-American, 0.008%; 1 homozygote.

Submissions (3):

Ambry Genetics
Classification: Uncertain significance. Last evaluated: 2025-05-13. Review status: criteria provided, single submitter. Criteria: Ambry Variant Classification Scheme 2023. Collection method: clinical testing. Allele origin: germline.

Blueprint Genetics
Classification: Uncertain significance. Last evaluated: 2024-09-15. Review status: criteria provided, single submitter. Criteria: ACMG Guidelines, 2015. Collection method: clinical testing. Allele origin: germline.

Labcorp Genetics (formerly Invitae), Labcorp
Classification: Uncertain significance. Last evaluated: 2022-07-05. Review status: criteria provided, single submitter. Criteria: Invitae Variant Classification Sherloc (09022015). Collection method: clinical testing. Allele origin: germline.
Comment: This sequence change replaces glutamine, which is neutral and polar, with arginine, which is basic and polar, at codon 191 of the RDH11 protein (p.Gln191Arg). This variant is present in population databases (no rsID available, gnomAD 0.008%). This variant has not been reported in the literature in individuals affected with RDH11-related conditions. ClinVar contains an entry for this variant (Variation ID: 946513). Algorithms developed to predict the effect of missense changes on protein structure and function (SIFT, PolyPhen-2, Align-GVGD) all suggest that this variant is likely to be tolerated. In summary, the available evidence is currently insufficient to determine the role of this variant in disease. Therefore, it has been classified as a Variant of Uncertain Significance.